The following is an entry in ClinVar:

ClinVar aggregate classification (germline): Likely pathogenic (1 of 4 stars; one submission).

Submission:

Dasa
Classification: Likely pathogenic. Last evaluated: 2025-05-27. Review status: criteria provided, single submitter. Criteria: DASA Assertion Criteria. Collection method: clinical testing. Allele origin: germline.
Comment: NM_000718.4(CACNA1B):c.2887dup (p.Arg963Profs*45) is a frameshift variant in CACNA1B predicted to alter the reading frame and introduce a premature termination codon and is predicted to result in an absent or altered protein product. Loss of function is an established disease mechanism for CACNA1B-associated disorders. Also, this variant is absent from population databases. Based on the currently available evidence, this variant is classified as likely pathogenic.

NM_000718.4(CACNA1B):c.2887dup (p.Arg963fs)

Gene: CACNA1B (calcium voltage-gated channel subunit alpha1 B; plus strand). Cytogenetic location: 9q34.3.
Variant type: Duplication.
Coding change: c.2887dup on transcript NM_000718.4 (MANE Select); coding-DNA position 2887, one base duplicated (C; older notation c.2887dupC).
Protein change: p.Arg963fs; shifts the reading frame from arginine 963.
Molecular consequence: frameshift variant.
Genome position (GRCh38, 1-based): chr9:138,023,630, C duplicated; the last of 5 consecutive C bases (chr9:138,023,626-138,023,630); duplicating any one gives the same sequence. VCF-style (leftmost placement, unchanged base first): chr9-138023625-G-GC. GRCh37 (hg19) VCF-style: chr9-140918077-G-GC.
Other names: c.2887dup, p.Arg963fs (NM_001243812.2); short protein forms R963fs.
Identifiers: ClinVar variation 4884280 (VCV004884280.2).
Genomic context (GRCh38, chr9:138,023,625, plus strand): 5'-AGGATCCGAGCAAGGAGTGCGCCGGCGCCAAGGGCGAGCGGCGCGCGCGGCACCGCGGCG[G>GC]CCCCCGAGCGGGGCCCCGGGAGGCGGAGAGCGGGGAGGAGCCGGCGCGGCGGCACCGGGC-3'